The following is an entry in ClinVar:

ClinVar aggregate classification (germline): Uncertain significance (1 of 4 stars; one submission).

Conditions:
Focal segmental glomerulosclerosis 2 (FSGS2). Identifiers: Orphanet 656, MedGen C1858915, MONDO:0011390, OMIM 603965.

Allele frequency attached by ClinVar (database versions not stated): gnomAD exomes below 0.00001.
gnomAD v4.1: 1 of 1,614,122 alleles (0.000062%); highest among the groups gnomAD compares: African/African-American, 0.0013%; no homozygotes.

Submission:

Precision Medicine Center, Zhengzhou University
Classification: Uncertain significance for Focal segmental glomerulosclerosis 2. Review status: criteria provided, single submitter. Criteria: ACMG Guidelines, 2015. Collection method: research. Allele origin: germline. Affected: yes.
Comment: PM2:not found in gnomAD PP3:Multiple lines of computational evidence support a deleterious effect on the gene or gene product

NM_004621.6(TRPC6):c.1394T>C (p.Phe465Ser)

Gene: TRPC6 (transient receptor potential cation channel subfamily C member 6; minus strand). Cytogenetic location: 11q22.1.
Variant type: single nucleotide variant.
Coding change: c.1394T>C on transcript NM_004621.6 (MANE Select); coding-DNA position 1394, T replaced by C.
Protein change: p.Phe465Ser; replaces phenylalanine 465 with serine.
Molecular consequence: missense variant.
Genome position (GRCh38, 1-based): chr11:101,483,065, A>G on the plus strand (T>C on the coding strand, the complement: TRPC6 is on the minus strand). VCF-style: chr11-101483065-A-G. GRCh37 (hg19) VCF-style: chr11-101353796-A-G.
Other names: short protein forms F465S.
Identifiers: ClinVar variation 1077022 (VCV001077022.1), dbSNP rs2136690942, ClinGen allele CA382441735.